The following is an entry in ClinVar:

ClinVar aggregate classification (germline): Pathogenic/Likely pathogenic. Review status: criteria provided, multiple submitters, no conflicts (2 of 4 stars). 8 submissions from 8 submitters: Pathogenic (2); Likely pathogenic (6). Last evaluated 2025-03-04.

Conditions:
Hereditary breast ovarian cancer syndrome. Also called: Breast and ovarian cancer; BRCA1- and BRCA2-Associated Hereditary Breast and Ovarian Cancer; Hereditary breast and ovarian cancer; Hereditary breast and ovarian cancer syndrome (HBOC); Hereditary breast and/or ovarian cancer syndrome; Hereditary breast and ovarian cancer syndrome. Identifiers: Orphanet 145, MedGen C0677776, MeSH D061325, MONDO:0003582. Disease mechanism: loss of function.
Hereditary cancer-predisposing syndrome. Also called: Neoplastic Syndromes, Hereditary; Tumor predisposition; Hereditary Cancer Syndrome; Hereditary neoplastic syndrome. Identifiers: Orphanet 140162, MedGen C0027672, MeSH D009386, MONDO:0015356.
Familial cancer of breast. Also called: hereditary breast carcinoma; Hereditary breast cancer; BREAST CANCER, FAMILIAL. Identifiers: Orphanet 227535, MedGen C0346153, MONDO:0016419, OMIM 114480. Disease mechanism: loss of function.

Submissions (8):

Center for Genomic Medicine, Rigshospitalet, Copenhagen University Hospital
Classification: Likely pathogenic. Last evaluated: 2025-03-04. Review status: criteria provided, single submitter. Criteria: ACMG Guidelines, 2015. Collection method: clinical testing. Allele origin: germline.

Department of Clinical Genetics, Copenhagen University Hospital, Rigshospitalet
Classification: Pathogenic for Hereditary cancer-predisposing syndrome. Last evaluated: 2025-02-04. Review status: criteria provided, single submitter. Criteria: ACMG Guidelines, 2015. Collection method: clinical testing. Allele origin: germline.
Comment: PVS1 (RNA); PM2_SUP; PM5_SUP

German Consortium for Hereditary Breast and Ovarian Cancer, University Hospital Cologne
Classification: Likely pathogenic for Hereditary breast ovarian cancer syndrome. Last evaluated: 2024-11-12. Review status: criteria provided, single submitter. Criteria: ClinGen PALB2 V1.1.0. Collection method: curation. Allele origin: germline.
Comment: According to the ClinGen ACMG PALB2 v1.1.0 criteria we chose these criteria: PVS1 (strong pathogenic): ClinGen PALB2: PVS1 Decision tree, PM2 (supporting pathogenic): absent from gnomAD v2/3/4, PM5 (supporting pathogenic): Apply to splice variants as PM5_supporting for splice variants can only be applied for variants premature termination codons upstream of p.Tyr1183 where PVS1_VS(RNA) is applied based on high quality observed splicing impact and must be NMD prone

Myriad Genetics, Inc.
Classification: Likely pathogenic for Familial cancer of breast. Last evaluated: 2024-10-08. Review status: criteria provided, single submitter. Criteria: Myriad Autosomal Dominant, Autosomal Recessive and X-Linked Classification Criteria (2023). Collection method: clinical testing. Allele origin: unknown.
Comment: This variant is considered likely pathogenic. This variant occurs within a consensus splice junction and is predicted to result in abnormal mRNA splicing of either an out-of-frame exon or an in-frame exon necessary for protein stability and/or normal function.

Ambry Genetics
Classification: Likely pathogenic for Hereditary cancer-predisposing syndrome. Last evaluated: 2024-09-13. Review status: criteria provided, single submitter. Criteria: Ambry Variant Classification Scheme 2023. Collection method: clinical testing. Allele origin: germline.
Comment: The c.211+1G>T intronic variant results from a G to T substitution one nucleotide after coding exon 3 of the PALB2 gene. This nucleotide position is highly conserved in available vertebrate species. In silico splice site analysis predicts that this alteration will weaken the native splice donor site and may result in the creation or strengthening of a novel splice donor site. RNA studies have demonstrated that this alteration results in abnormal splicing in the set of samples tested (Ambry internal data). This variant is considered to be rare based on population cohorts in the Genome Aggregation Database (gnomAD). Alterations that disrupt the canonical splice site are expected to cause aberrant splicing, resulting in an abnormal protein or a transcript that is subject to nonsense-mediated mRNA decay. As such, this alteration is classified as likely pathogenic.

Labcorp Genetics (formerly Invitae), Labcorp
Classification: Likely pathogenic for Familial cancer of breast. Last evaluated: 2022-10-17. Review status: criteria provided, single submitter. Criteria: Invitae Variant Classification Sherloc (09022015). Collection method: clinical testing. Allele origin: germline.
Comment: In summary, the currently available evidence indicates that the variant is pathogenic, but additional data are needed to prove that conclusively. Therefore, this variant has been classified as Likely Pathogenic. Algorithms developed to predict the effect of sequence changes on RNA splicing suggest that this variant may disrupt the consensus splice site. ClinVar contains an entry for this variant (Variation ID: 650958). Disruption of this splice site has been observed in individual(s) with PALB2-related conditions (PMID: 32068069). This variant is not present in population databases (gnomAD no frequency). This sequence change affects a donor splice site in intron 3 of the PALB2 gene. It is expected to disrupt RNA splicing. Variants that disrupt the donor or acceptor splice site typically lead to a loss of protein function (PMID: 16199547), and loss-of-function variants in PALB2 are known to be pathogenic (PMID: 17200668, 17200671, 17200672, 24136930, 25099575).

MGZ Medical Genetics Center
Classification: Likely pathogenic for Familial cancer of breast. Last evaluated: 2021-12-13. Review status: criteria provided, single submitter. Criteria: ACMG Guidelines, 2015. Collection method: clinical testing. Allele origin: germline. Affected: yes. Observed: 1 variant allele.
Comment: ACMG criteria applied: PVS1, PM2_SUP

Institute of Medical Genetics and Applied Genomics, University Hospital Tübingen
Classification: Pathogenic. Last evaluated: 2021-02-01. Review status: criteria provided, single submitter. Criteria: ACMG Guidelines, 2015. Collection method: clinical testing. Allele origin: germline. Inheritance: Unknown mechanism. Affected: yes.

Literature cited by the submitters: PubMed 32068069 (cited by Center for Genomic Medicine, Rigshospitalet, Copenhagen University Hospital and Labcorp Genetics (formerly Invitae), Labcorp); PubMed 34846068 (cited by Center for Genomic Medicine, Rigshospitalet, Copenhagen University Hospital); PubMed 16199547 (cited by Labcorp Genetics (formerly Invitae), Labcorp); PubMed 17200668 (cited by Labcorp Genetics (formerly Invitae), Labcorp); PubMed 17200671 (cited by Labcorp Genetics (formerly Invitae), Labcorp); PubMed 17200672 (cited by Labcorp Genetics (formerly Invitae), Labcorp); PubMed 24136930 (cited by Labcorp Genetics (formerly Invitae), Labcorp); PubMed 25099575 (cited by Labcorp Genetics (formerly Invitae), Labcorp).

NM_024675.4(PALB2):c.211+1G>T

Gene: PALB2 (partner and localizer of BRCA2; minus strand). Cytogenetic location: 16p12.2.
Variant type: single nucleotide variant.
Coding change: c.211+1G>T on transcript NM_024675.4 (MANE Select); the canonical splice donor site of the intron after coding-DNA position 211, G replaced by T.
Molecular consequence: splice donor variant. On other transcripts: intron variant (3).
Genome position (GRCh38, 1-based): chr16:23,637,849, C>A on the plus strand (G>T on the coding strand, the complement: PALB2 is on the minus strand). VCF-style: chr16-23637849-C-A. GRCh37 (hg19) VCF-style: chr16-23649170-C-A.
Other names: c.-675+1G>T (NM_001407308.1, NM_001407306.1, NM_001407307.1 and 5 more transcripts); c.48+3261G>T (NM_001407314.1); c.-105+3261G>T (NM_001407313.1, NM_001407312.1); c.151+1G>T (NM_001407296.1); c.211+1G>T (NM_001407297.1, NM_001407302.1, NM_001407298.1 and 3 more transcripts).
Identifiers: ClinVar variation 650958 (VCV000650958.17), dbSNP rs1555462026, ClinGen allele CA395139004.